The following is an entry in ClinVar:

ClinVar aggregate classification (germline): Uncertain significance. Review status: criteria provided, multiple submitters, no conflicts (2 of 4 stars). 2 submissions from 2 submitters: Uncertain significance (2). Last evaluated 2023-12-15.

Conditions:
Hereditary cancer-predisposing syndrome. Also called: Hereditary neoplastic syndrome; Neoplastic Syndromes, Hereditary; Tumor predisposition; Hereditary Cancer Syndrome. Identifiers: Orphanet 140162, MedGen C0027672, MeSH D009386, MONDO:0015356.

Submissions (2):

Ambry Genetics
Classification: Uncertain significance for Hereditary cancer-predisposing syndrome. Last evaluated: 2023-12-15. Review status: criteria provided, single submitter. Criteria: Ambry Variant Classification Scheme 2023. Collection method: clinical testing. Allele origin: germline.
Comment: The p.S1303I variant (also known as c.3908G>T), located in coding exon 25 of the RAD50 gene, results from a G to T substitution at nucleotide position 3908. The serine at codon 1303 is replaced by isoleucine, an amino acid with dissimilar properties. This amino acid position is conserved. In addition, this alteration is predicted to be tolerated by in silico analysis. Since supporting evidence is limited at this time, the clinical significance of this alteration remains unclear.

Labcorp Genetics (formerly Invitae), Labcorp
Classification: Uncertain significance for Hereditary cancer-predisposing syndrome. Last evaluated: 2022-05-12. Review status: criteria provided, single submitter. Criteria: Invitae Variant Classification Sherloc (09022015). Collection method: clinical testing. Allele origin: germline.
Comment: In summary, the available evidence is currently insufficient to determine the role of this variant in disease. Therefore, it has been classified as a Variant of Uncertain Significance. Algorithms developed to predict the effect of missense changes on protein structure and function are either unavailable or do not agree on the potential impact of this missense change (SIFT: "Tolerated"; PolyPhen-2: "Possibly Damaging"; Align-GVGD: "Class C0"). ClinVar contains an entry for this variant (Variation ID: 1006901). This variant has not been reported in the literature in individuals affected with RAD50-related conditions. This variant is not present in population databases (gnomAD no frequency). This sequence change replaces serine, which is neutral and polar, with isoleucine, which is neutral and non-polar, at codon 1303 of the RAD50 protein (p.Ser1303Ile).

NM_005732.4(RAD50):c.3908G>T (p.Ser1303Ile)

Genes: TH2LCRR (T helper type 2 locus control region associated RNA; minus strand), RAD50 (RAD50 double strand break repair protein; plus strand). Cytogenetic location: 5q31.1.
Variant type: single nucleotide variant.
Coding change: c.3908G>T on transcript NM_005732.4 (MANE Select); coding-DNA position 3908, G replaced by T.
Protein change: p.Ser1303Ile; replaces serine 1303 with isoleucine.
Molecular consequence: missense variant.
Genome position (GRCh38, 1-based): chr5:132,642,333, G>T. VCF-style: chr5-132642333-G-T. GRCh37 (hg19) VCF-style: chr5-131978025-G-T.
Other names: c.3908G>T (NM_005732.3); short protein forms S1303I.
Identifiers: ClinVar variation 1006901 (VCV001006901.10), dbSNP rs766044158, ClinGen allele CA360937500.